The following is an entry in ClinVar:

NM_177438.3(DICER1):c.1639G>A (p.Val547Ile)

Gene: DICER1 (dicer 1, ribonuclease III; minus strand). Cytogenetic location: 14q32.13.
Variant type: single nucleotide variant.
Coding change: c.1639G>A on transcript NM_177438.3 (MANE Select); coding-DNA position 1639, G replaced by A.
Protein change: p.Val547Ile; replaces valine 547 with isoleucine.
Molecular consequence: missense variant.
Genome position (GRCh38, 1-based): chr14:95,116,566, C>T on the plus strand (G>A on the coding strand, the complement: DICER1 is on the minus strand). VCF-style: chr14-95116566-C-T. GRCh37 (hg19) VCF-style: chr14-95582903-C-T.
Other names: c.1639G>A, p.Val547Ile (NM_001195573.1, NM_001271282.3, NM_001291628.2 and 1 more transcripts); short protein forms V547I.
Identifiers: ClinVar variation 1052710 (VCV001052710.13), dbSNP rs1892492225, ClinGen allele CA390884901.

ClinVar aggregate classification (germline): Uncertain significance. Review status: criteria provided, multiple submitters, no conflicts (2 of 4 stars). 2 submissions from 2 submitters: Uncertain significance (2). Last evaluated 2025-04-02.

Conditions:
Hereditary cancer-predisposing syndrome. Also called: Hereditary Cancer Syndrome; Tumor predisposition; Hereditary neoplastic syndrome; Neoplastic Syndromes, Hereditary. Identifiers: Orphanet 140162, MedGen C0027672, MeSH D009386, MONDO:0015356.
DICER1-related tumor predisposition. Also called: DICER1-related pleuropulmonary blastoma cancer predisposition syndrome; DICER1 syndrome. Identifiers: Orphanet 284343, MedGen C3839822, MONDO:0100216.

Submissions (2):

Ambry Genetics
Classification: Uncertain significance for Hereditary cancer-predisposing syndrome. Last evaluated: 2025-04-02. Review status: criteria provided, single submitter. Criteria: Ambry Variant Classification Scheme 2023. Collection method: clinical testing. Allele origin: germline.
Comment: The p.V547I variant (also known as c.1639G>A), located in coding exon 9 of the DICER1 gene, results from a G to A substitution at nucleotide position 1639. The valine at codon 547 is replaced by isoleucine, an amino acid with highly similar properties. This amino acid position is highly conserved in available vertebrate species. In addition, the in silico prediction for this alteration is inconclusive. Based on the available evidence, the clinical significance of this variant remains unclear.

Labcorp Genetics (formerly Invitae), Labcorp
Classification: Uncertain significance for DICER1-related tumor predisposition. Last evaluated: 2024-11-03. Review status: criteria provided, single submitter. Criteria: Invitae Variant Classification Sherloc (09022015). Collection method: clinical testing. Allele origin: germline.
Comment: This sequence change replaces valine, which is neutral and non-polar, with isoleucine, which is neutral and non-polar, at codon 547 of the DICER1 protein (p.Val547Ile). This variant is not present in population databases (gnomAD no frequency). This variant has not been reported in the literature in individuals affected with DICER1-related conditions. ClinVar contains an entry for this variant (Variation ID: 1052710). Invitae Evidence Modeling of protein sequence and biophysical properties (such as structural, functional, and spatial information, amino acid conservation, physicochemical variation, residue mobility, and thermodynamic stability) indicates that this missense variant is not expected to disrupt DICER1 protein function with a negative predictive value of 95%. In summary, the available evidence is currently insufficient to determine the role of this variant in disease. Therefore, it has been classified as a Variant of Uncertain Significance.